The following is an entry in ClinVar:

NM_021008.4(DEAF1):c.527C>T (p.Ser176Phe)

Gene: DEAF1 (DEAF1 transcription factor; minus strand). Cytogenetic location: 11p15.5.
Variant type: single nucleotide variant.
Coding change: c.527C>T on transcript NM_021008.4 (MANE Select); coding-DNA position 527, C replaced by T.
Protein change: p.Ser176Phe; replaces serine 176 with phenylalanine.
Molecular consequence: missense variant. On other transcripts: 5 prime UTR variant (1).
Genome position (GRCh38, 1-based): chr11:688,048, G>A on the plus strand (C>T on the coding strand, the complement: DEAF1 is on the minus strand). VCF-style: chr11-688048-G-A. GRCh37 (hg19) VCF-style: chr11-688048-G-A.
Other names: c.527C>T, p.Ser176Phe (NM_001293634.2); c.-200C>T (NM_001367390.1); short protein forms S176F.
Identifiers: ClinVar variation 3644271 (VCV003644271.2).
Genomic context (GRCh38, chr11:688,048, plus strand): 5'-GGGTCCCAGTTGTATTTAGTTCCACCTTTTTCTTGGCCGGGAGCCAGAGGGGTTGGAGGA[G>A]ACTGAGGACCTTGGGCAGAGAAAGTGTTTGAAGGTGAGAGGCCGGACACCGGGAAGCATA-3'
Protein context (NP_066288.2, residues 166-186): PAAPLTPGPQ[Ser176Phe]PPTPLAPGQE

ClinVar aggregate classification (germline): Uncertain significance (1 of 4 stars; one submission).

Submission:

Labcorp Genetics (formerly Invitae), Labcorp
Classification: Uncertain significance. Last evaluated: 2025-05-18. Review status: criteria provided, single submitter. Criteria: Invitae Variant Classification Sherloc (09022015). Collection method: clinical testing. Allele origin: germline.
Comment: This sequence change replaces serine, which is neutral and polar, with phenylalanine, which is neutral and non-polar, at codon 176 of the DEAF1 protein (p.Ser176Phe). This variant is not present in population databases (gnomAD no frequency). This variant has not been reported in the literature in individuals affected with DEAF1-related conditions. ClinVar contains an entry for this variant (Variation ID: 3644271). Invitae Evidence Modeling of protein sequence and biophysical properties (such as structural, functional, and spatial information, amino acid conservation, physicochemical variation, residue mobility, and thermodynamic stability) indicates that this missense variant is not expected to disrupt DEAF1 protein function with a negative predictive value of 80%. In summary, the available evidence is currently insufficient to determine the role of this variant in disease. Therefore, it has been classified as a Variant of Uncertain Significance.